The following is an entry in ClinVar:

ClinVar aggregate classification (germline): Conflicting classifications of pathogenicity. Review status: criteria provided, conflicting classifications (1 of 4 stars). 4 submissions from 4 submitters: Uncertain significance (3); Benign (1). Last evaluated 2025-11-20.

Conditions:
Inborn genetic diseases. Identifiers: MedGen C0950123, MeSH D030342.

Allele frequency attached by ClinVar (database versions not stated): gnomAD exomes 0.00001; ESP Exome Variant Server 0.00008.
gnomAD v4.1: 9 of 1,613,266 alleles (0.00056%); highest among the groups gnomAD compares: African/African-American, 0.011%; no homozygotes.

Submissions (4):

Ambry Genetics
Classification: Uncertain significance for Inborn genetic diseases. Last evaluated: 2025-11-20. Review status: criteria provided, single submitter. Criteria: Ambry Variant Classification Scheme 2023. Collection method: clinical testing. Allele origin: germline.

Labcorp Genetics (formerly Invitae), Labcorp
Classification: Benign. Last evaluated: 2025-05-14. Review status: criteria provided, single submitter. Criteria: Invitae Variant Classification Sherloc (09022015). Collection method: clinical testing. Allele origin: germline.

Blueprint Genetics
Classification: Uncertain significance. Last evaluated: 2024-10-02. Review status: criteria provided, single submitter. Criteria: ACMG Guidelines, 2015. Collection method: clinical testing. Allele origin: germline.

GeneDx
Classification: Uncertain significance. Last evaluated: 2019-07-11. Review status: criteria provided, single submitter. Criteria: GeneDx Variant Classification Process June 2021. Collection method: clinical testing. Allele origin: germline. Affected: yes.
Comment: In silico analysis, which includes protein predictors and evolutionary conservation, supports a deleterious effect; Has not been previously published as pathogenic or benign to our knowledge

NM_001854.4(COL11A1):c.2768C>T (p.Pro923Leu)

Gene: COL11A1 (collagen type XI alpha 1 chain; minus strand). Cytogenetic location: 1p21.1.
Variant type: single nucleotide variant.
Coding change: c.2768C>T on transcript NM_001854.4 (MANE Select); coding-DNA position 2768, C replaced by T.
Protein change: p.Pro923Leu; replaces proline 923 with leucine.
Molecular consequence: missense variant. On other transcripts: non-coding transcript variant (1).
Genome position (GRCh38, 1-based): chr1:102,974,870, G>A on the plus strand (C>T on the coding strand, the complement: COL11A1 is on the minus strand). VCF-style: chr1-102974870-G-A. GRCh37 (hg19) VCF-style: chr1-103440426-G-A.
Other names: c.2651C>T, p.Pro884Leu (NM_001190709.2); c.2804C>T, p.Pro935Leu (NM_080629.3); c.2420C>T, p.Pro807Leu (NM_080630.4); short protein forms P807L, P884L, P923L, P935L.
Identifiers: ClinVar variation 1306912 (VCV001306912.5), dbSNP rs375398395, ClinGen allele CA974271.